The following is an entry in ClinVar:

ClinVar aggregate classification (germline): Uncertain significance (1 of 4 stars; one submission).

Conditions:
Inborn genetic diseases. Identifiers: MedGen C0950123, MeSH D030342.

Submission:

Ambry Genetics
Classification: Uncertain significance for Inborn genetic diseases. Last evaluated: 2025-01-10. Review status: criteria provided, single submitter. Criteria: Ambry Variant Classification Scheme 2023. Collection method: clinical testing. Allele origin: germline.
Comment: The p.A568V variant (also known as c.1703C>T), located in coding exon 17 of the ANKRD26 gene, results from a C to T substitution at nucleotide position 1703. The alanine at codon 568 is replaced by valine, an amino acid with similar properties. This amino acid position is conserved. In addition, this alteration is predicted to be tolerated by in silico analysis. Based on the available evidence, the clinical significance of this variant remains unclear.

NM_014915.3(ANKRD26):c.1703C>T (p.Ala568Val)

Gene: ANKRD26 (ankyrin repeat domain containing 26; minus strand). Cytogenetic location: 10p12.1.
Variant type: single nucleotide variant.
Coding change: c.1703C>T on transcript NM_014915.3 (MANE Select); coding-DNA position 1703, C replaced by T.
Protein change: p.Ala568Val; replaces alanine 568 with valine.
Molecular consequence: missense variant.
Genome position (GRCh38, 1-based): chr10:27,048,912, G>A on the plus strand (C>T on the coding strand, the complement: ANKRD26 is on the minus strand). VCF-style: chr10-27048912-G-A. GRCh37 (hg19) VCF-style: chr10-27337841-G-A.
Other names: c.1703C>T, p.Ala568Val (NM_001256053.2); short protein forms A568V.
Identifiers: ClinVar variation 3870236 (VCV003870236.1).